The following is an entry in ClinVar:

ClinVar aggregate classification (germline): Uncertain significance (1 of 4 stars; one submission).

gnomAD v4.1: 1 of 1,609,354 alleles (0.000062%); highest among the groups gnomAD compares: Admixed American, 0.0017%; no homozygotes.

Submission:

Labcorp Genetics (formerly Invitae), Labcorp
Classification: Uncertain significance. Last evaluated: 2025-02-25. Review status: criteria provided, single submitter. Criteria: Invitae Variant Classification Sherloc (09022015). Collection method: clinical testing. Allele origin: germline.
Comment: This sequence change replaces glycine, which is neutral and non-polar, with arginine, which is basic and polar, at codon 278 of the SIAE protein (p.Gly278Arg). This variant also falls at the last nucleotide of exon 6, which is part of the consensus splice site for this exon. This variant is present in population databases (no rsID available, gnomAD 0.003%). This variant has not been reported in the literature in individuals affected with SIAE-related conditions. An algorithm developed to predict the effect of missense changes on protein structure and function (PolyPhen-2) suggests that this variant is likely to be disruptive. Variants that disrupt the consensus splice site are a relatively common cause of aberrant splicing (PMID: 17576681, 9536098). Algorithms developed to predict the effect of sequence changes on RNA splicing suggest that this variant may disrupt the consensus splice site. In summary, the available evidence is currently insufficient to determine the role of this variant in disease. Therefore, it has been classified as a Variant of Uncertain Significance.

Literature cited by the submitters: PubMed 17576681; PubMed 9536098.

NM_170601.5(SIAE):c.832G>C (p.Gly278Arg)

Gene: SIAE (sialic acid acetylesterase; minus strand). Cytogenetic location: 11q24.2.
Variant type: single nucleotide variant.
Coding change: c.832G>C on transcript NM_170601.5 (MANE Select); coding-DNA position 832, G replaced by C.
Protein change: p.Gly278Arg; replaces glycine 278 with arginine.
Molecular consequence: missense variant.
Genome position (GRCh38, 1-based): chr11:124,648,066, C>G on the plus strand (G>C on the coding strand, the complement: SIAE is on the minus strand). VCF-style: chr11-124648066-C-G. GRCh37 (hg19) VCF-style: chr11-124517962-C-G.
Other names: c.727G>C, p.Gly243Arg (NM_001199922.2); short protein forms G243R, G278R.
Identifiers: ClinVar variation 4776362 (VCV004776362.1).
Genomic context (GRCh38, chr11:124,648,066, plus strand): 5'-GCTGTGTTATACAGCAAACGCTATCTGATACAATGGAGAAAGAGTACACTGAACACTTAC[C>G]CTGGTACCATACTACCCCTTTCAGAGTCATATTGCACAGTGGATGGATCATGGCATTCCA-3'
Protein context (NP_733746.1, residues 268-288): MTLKGVVWYQ[Gly278Arg]ESNINYNTDL